The following is an entry in ClinVar:

NM_002439.5(MSH3):c.1438dup (p.Thr480fs)

Gene: MSH3 (mutS homolog 3; plus strand). Cytogenetic location: 5q14.1.
Variant type: Duplication.
Coding change: c.1438dup on transcript NM_002439.5 (MANE Select); coding-DNA position 1438, one base duplicated (A; older notation c.1438dupA).
Protein change: p.Thr480fs; shifts the reading frame from threonine 480.
Molecular consequence: frameshift variant.
Genome position (GRCh38, 1-based): chr5:80,725,550, A duplicated. VCF-style (leftmost placement, unchanged base first): chr5-80725549-T-TA. GRCh37 (hg19) VCF-style: chr5-80021368-T-TA.
Other names: short protein forms T480fs.
Identifiers: ClinVar variation 2732360 (VCV002732360.3), dbSNP rs2546753056, ClinGen allele CA2674443421.

ClinVar aggregate classification (germline): Pathogenic (1 of 4 stars; one submission).

Allele frequency attached by ClinVar (database versions not stated): gnomAD exomes below 0.00001.

Submission:

Labcorp Genetics (formerly Invitae), Labcorp
Classification: Pathogenic. Last evaluated: 2023-07-17. Review status: criteria provided, single submitter. Criteria: Invitae Variant Classification Sherloc (09022015). Collection method: clinical testing. Allele origin: germline.
Comment: This sequence change creates a premature translational stop signal (p.Thr480Asnfs*3) in the MSH3 gene. It is expected to result in an absent or disrupted protein product. Loss-of-function variants in MSH3 are known to be pathogenic (PMID: 27476653). This variant is not present in population databases (gnomAD no frequency). This variant has not been reported in the literature in individuals affected with MSH3-related conditions. For these reasons, this variant has been classified as Pathogenic.

Literature cited by the submitters: PubMed 27476653.